The following is an entry in ClinVar:

NM_001164508.2(NEB):c.10093G>A (p.Asp3365Asn)

Gene: NEB (nebulin; minus strand). Cytogenetic location: 2q23.3.
Variant type: single nucleotide variant.
Coding change: c.10093G>A on transcript NM_001164508.2 (MANE Select); coding-DNA position 10093, G replaced by A.
Protein change: p.Asp3365Asn; replaces aspartic acid 3365 with asparagine.
Molecular consequence: missense variant.
Genome position (GRCh38, 1-based): chr2:151,627,573, C>T on the plus strand (G>A on the coding strand, the complement: NEB is on the minus strand). VCF-style: chr2-151627573-C-T. GRCh37 (hg19) VCF-style: chr2-152484087-C-T.
Other names: c.10093G>A, p.Asp3365Asn (NM_001164507.2, NM_001271208.2); c.9364G>A, p.Asp3122Asn (NM_004543.5); c.9364G>A (NM_004543.4); short protein forms D3122N, D3365N.
Identifiers: ClinVar variation 1521421 (VCV001521421.4), dbSNP rs1181779285, ClinGen allele CA348794340.

ClinVar aggregate classification (germline): Uncertain significance. Review status: criteria provided, multiple submitters, no conflicts (2 of 4 stars). 2 submissions from 2 submitters: Uncertain significance (2). Last evaluated 2025-03-26.

Conditions:
Inborn genetic diseases. Identifiers: MedGen C0950123, MeSH D030342.
Nemaline myopathy 2 (NEM2). Also called: Nemaline myopathy 2, autosomal recessive. Identifiers: MedGen C1850569, MONDO:0009725, OMIM 256030.

Allele frequency attached by ClinVar (database versions not stated): gnomAD 0.00001; TOPMed 0.00001; gnomAD exomes 0.00002.
gnomAD v4.1: 38 of 1,613,890 alleles (0.0024%); highest among the groups gnomAD compares: Non-Finnish European, 0.0027%; no homozygotes.

Submissions (2):

Ambry Genetics
Classification: Uncertain significance for Inborn genetic diseases. Last evaluated: 2025-03-26. Review status: criteria provided, single submitter. Criteria: Ambry Variant Classification Scheme 2023. Collection method: clinical testing. Allele origin: germline.

Labcorp Genetics (formerly Invitae), Labcorp
Classification: Uncertain significance for Nemaline myopathy 2. Last evaluated: 2022-08-09. Review status: criteria provided, single submitter. Criteria: Invitae Variant Classification Sherloc (09022015). Collection method: clinical testing. Allele origin: germline.
Comment: This sequence change replaces aspartic acid, which is acidic and polar, with asparagine, which is neutral and polar, at codon 3365 of the NEB protein (p.Asp3365Asn). This variant is present in population databases (no rsID available, gnomAD 0.003%). This variant has not been reported in the literature in individuals affected with NEB-related conditions. ClinVar contains an entry for this variant (Variation ID: 1521421). Algorithms developed to predict the effect of missense changes on protein structure and function are either unavailable or do not agree on the potential impact of this missense change (SIFT: "Deleterious"; PolyPhen-2: "Not Available"; Align-GVGD: "Class C0"). In summary, the available evidence is currently insufficient to determine the role of this variant in disease. Therefore, it has been classified as a Variant of Uncertain Significance.